The following is an entry in ClinVar:

NM_000329.3(RPE65):c.230T>C (p.Val77Ala)

Gene: RPE65 (retinoid isomerohydrolase RPE65; minus strand). Cytogenetic location: 1p31.3.
Variant type: single nucleotide variant.
Coding change: c.230T>C on transcript NM_000329.3 (MANE Select); coding-DNA position 230, T replaced by C.
Protein change: p.Val77Ala; replaces valine 77 with alanine.
Molecular consequence: missense variant. On other transcripts: 5 prime UTR variant (1), intron variant (1).
Genome position (GRCh38, 1-based): chr1:68,446,725, A>G on the plus strand (T>C on the coding strand, the complement: RPE65 is on the minus strand). VCF-style: chr1-68446725-A-G. GRCh37 (hg19) VCF-style: chr1-68912408-A-G.
Other names: c.230T>C, p.Val77Ala (NM_001406853.1, NM_001406859.1, NM_001406860.1); c.-47T>C (NM_001406857.1); c.-31-1842T>C (NM_001406856.1); short protein forms V77A.
Identifiers: ClinVar variation 4788777 (VCV004788777.1).

ClinVar aggregate classification (germline): Uncertain significance (1 of 4 stars; one submission).

Conditions:
Retinitis pigmentosa 20 (RP20). Identifiers: Orphanet 791, MedGen C3151086, MONDO:0013425, OMIM 613794.
Leber congenital amaurosis 2 (LCA2). Also called: AMAUROSIS CONGENITA OF LEBER II; Autosomal Recessive RPE65-Related Retinal Degeneration. Identifiers: Orphanet 65, MedGen C1859844, MONDO:0008765, OMIM 204100. Disease mechanism: loss of function.

gnomAD v4.1: 1 of 1,614,174 alleles (0.000062%); highest among the groups gnomAD compares: Admixed American, 0.0017%; no homozygotes.

Submission:

Labcorp Genetics (formerly Invitae), Labcorp
Classification: Uncertain significance for Leber congenital amaurosis 2; Retinitis pigmentosa 20. Last evaluated: 2025-09-02. Review status: criteria provided, single submitter. Criteria: Invitae Variant Classification Sherloc (09022015). Collection method: clinical testing. Allele origin: germline.
Comment: This sequence change replaces valine, which is neutral and non-polar, with alanine, which is neutral and non-polar, at codon 77 of the RPE65 protein (p.Val77Ala). This variant is not present in population databases (gnomAD no frequency). This variant has not been reported in the literature in individuals affected with RPE65-related conditions. Invitae Evidence Modeling of protein sequence and biophysical properties (such as structural, functional, and spatial information, amino acid conservation, physicochemical variation, residue mobility, and thermodynamic stability) indicates that this missense variant is not expected to disrupt RPE65 protein function with a negative predictive value of 80%. In summary, the available evidence is currently insufficient to determine the role of this variant in disease. Therefore, it has been classified as a Variant of Uncertain Significance.